The following is an entry in ClinVar:

NM_020207.7(ERCC6L2):c.1258A>G (p.Thr420Ala)

Gene: ERCC6L2 (ERCC excision repair 6 like 2; plus strand). Cytogenetic location: 9q22.32.
Variant type: single nucleotide variant.
Coding change: c.1258A>G on transcript NM_020207.7 (MANE Select); coding-DNA position 1258, A replaced by G.
Protein change: p.Thr420Ala; replaces threonine 420 with alanine.
Molecular consequence: missense variant. On other transcripts: non-coding transcript variant (1).
Genome position (GRCh38, 1-based): chr9:95,921,274, A>G. VCF-style: chr9-95921274-A-G. GRCh37 (hg19) VCF-style: chr9-98683556-A-G.
Other names: c.1258A>G, p.Thr420Ala (NM_001010895.4, NM_001375291.1, NM_001375292.1 and 2 more transcripts); short protein forms T420A.
Identifiers: ClinVar variation 3845870 (VCV003845870.1).

ClinVar aggregate classification (germline): Uncertain significance (1 of 4 stars; one submission).

Conditions:
Inborn genetic diseases. Identifiers: MedGen C0950123, MeSH D030342.

gnomAD v4.1: 9 of 1,613,530 alleles (0.00056%); highest among the groups gnomAD compares: African/African-American, 0.0093%; no homozygotes.

Submission:

Ambry Genetics
Classification: Uncertain significance for Inborn genetic diseases. Last evaluated: 2025-01-13. Review status: criteria provided, single submitter. Criteria: Ambry Variant Classification Scheme 2023. Collection method: clinical testing. Allele origin: germline.
Comment: The p.T420A variant (also known as c.1258A>G), located in coding exon 7 of the ERCC6L2 gene, results from an A to G substitution at nucleotide position 1258. The threonine at codon 420 is replaced by alanine, an amino acid with similar properties. This amino acid position is conserved. In addition, this alteration is predicted to be tolerated by in silico analysis. Based on the available evidence, the clinical significance of this variant remains unclear.